The following is an entry in ClinVar:

ClinVar aggregate classification (germline): Uncertain significance (1 of 4 stars; one submission).

Submission:

Ambry Genetics
Classification: Uncertain significance. Last evaluated: 2024-12-10. Review status: criteria provided, single submitter. Criteria: Ambry Variant Classification Scheme 2023. Collection method: clinical testing. Allele origin: germline.
Comment: The p.L612Q variant (also known as c.1835T>A), located in coding exon 9 of the ATRIP gene, results from a T to A substitution at nucleotide position 1835. The leucine at codon 612 is replaced by glutamine, an amino acid with dissimilar properties. This amino acid position is conserved. In addition, this alteration is predicted to be tolerated by in silico analysis. Based on the available evidence, the clinical significance of this variant remains unclear.

NM_130384.3(ATRIP):c.1835T>A (p.Leu612Gln)

Genes: ATRIP (ATR interacting protein; plus strand), ATRIP-TREX1 (ATRIP-TREX1 readthrough; plus strand). Cytogenetic location: 3p21.31.
Variant type: single nucleotide variant.
Coding change: c.1835T>A on transcript NM_130384.3 (MANE Select); coding-DNA position 1835, T replaced by A.
Protein change: p.Leu612Gln; replaces leucine 612 with glutamine.
Molecular consequence: missense variant. On other transcripts: non-coding transcript variant (1).
Genome position (GRCh38, 1-based): chr3:48,463,834, T>A. VCF-style: chr3-48463834-T-A. GRCh37 (hg19) VCF-style: chr3-48505233-T-A.
Other names: c.1454T>A, p.Leu485Gln (NM_001271022.2); c.1556T>A, p.Leu519Gln (NM_001271023.2); c.1835T>A, p.Leu612Gln (NM_032166.4); short protein forms L485Q, L519Q, L612Q.
Identifiers: ClinVar variation 3465327 (VCV003465327.1).
Genomic context (GRCh38, chr3:48,463,834, plus strand): 5'-AGTGCCTCAGCCCAGAGACACCCCTGCCTAGCGTGCTGCTGGCTGTTGAGCTCCTCTCCC[T>A]GCTGGCGGACCACGACCAGCTGGCACCTCAGCTCTGTTCCCACTCAGGTAAAGCAGGGTG-3'
Protein context (NP_569055.1, residues 602-622): SVLLAVELLS[Leu612Gln]LADHDQLAPQ